The following is an entry in ClinVar:

ClinVar aggregate classification (germline): Uncertain significance (1 of 4 stars; one submission).

Conditions:
Cerebral amyloid angiopathy, APP-related. Also called: AMYLOIDOSIS, CEREBROARTERIAL, APP-RELATED; Cerebral amyloid angiopathy, Dutch, Italian, Iowa, Flemish, Arctic variants. Identifiers: Orphanet 100006, Orphanet 324703, Orphanet 324708, Orphanet 324713, Orphanet 324718, Orphanet 324723, Orphanet 85458, MedGen C2751536, MONDO:0011583, OMIM 605714.

gnomAD v4.1: 6 of 1,613,704 alleles (0.00037%); highest among the groups gnomAD compares: East Asian, 0.0022%; no homozygotes.

Submission:

Foundation for Research in Genetics and Endocrinology, FRIGE's Institute of Human Genetics
Classification: Uncertain significance for Cerebral amyloid angiopathy, APP-related. Last evaluated: 2025-04-10. Review status: criteria provided, single submitter. Criteria: ACMG Guidelines, 2015. Collection method: clinical testing. Allele origin: germline. Inheritance: Autosomal dominant inheritance. Affected: yes. Observed: 1 heterozygote.
Comment: A heterozygous missense variant in exon 15 of the APP gene that results in an amino acid substitution of Glutamine for Arginine at codon 653 was detected. The observed variant c.1958G>A (p.Arg653Gln) has a MAF of 0.0004% in the gnomAD databases. The in-silico prediction of the variant are possibly damaging by MutationTaster. In summary, the variant meets our criteria to be classified as a variant of uncertain significance.

NM_000484.4(APP):c.1958G>A (p.Arg653Gln)

Gene: APP (amyloid beta precursor protein; minus strand). Cytogenetic location: 21q21.3.
Variant type: single nucleotide variant.
Coding change: c.1958G>A on transcript NM_000484.4 (MANE Select); coding-DNA position 1958, G replaced by A.
Protein change: p.Arg653Gln; replaces arginine 653 with glutamine.
Molecular consequence: missense variant. On other transcripts: intron variant (3).
Genome position (GRCh38, 1-based): chr21:25,905,029, C>T on the plus strand (G>A on the coding strand, the complement: APP is on the minus strand). VCF-style: chr21-25905029-C-T. GRCh37 (hg19) VCF-style: chr21-27277341-C-T.
Other names: p.Arg653Gln; c.1886G>A, p.Arg629Gln (NM_001136016.3); c.1565G>A, p.Arg522Gln (NM_001136129.3); c.1790G>A, p.Arg597Gln (NM_001136130.3, NM_001385253.1); c.1628G>A, p.Arg543Gln (NM_001136131.3); c.1901G>A, p.Arg634Gln (NM_201413.3); c.1733G>A, p.Arg578Gln (NM_201414.3); c.1684+6712G>A (NM_001204303.2); and 2 more; short protein forms R597Q, R629Q, R653Q, R543Q, R578Q, R522Q, R634Q.
Identifiers: ClinVar variation 3781337 (VCV003781337.1).